The following is an entry in ClinVar:

NM_000288.4(PEX7):c.77C>G (p.Pro26Arg)

Gene: PEX7 (peroxisomal biogenesis factor 7; plus strand). Cytogenetic location: 6q23.3.
Variant type: single nucleotide variant.
Coding change: c.77C>G on transcript NM_000288.4 (MANE Select); coding-DNA position 77, C replaced by G.
Protein change: p.Pro26Arg; replaces proline 26 with arginine.
Molecular consequence: missense variant.
Genome position (GRCh38, 1-based): chr6:136,822,742, C>G. VCF-style: chr6-136822742-C-G. GRCh37 (hg19) VCF-style: chr6-137143880-C-G.
Other names: short protein forms P26R.
Identifiers: ClinVar variation 2115725 (VCV002115725.2), dbSNP rs1003031615, ClinGen allele CA365855288.
Genomic context (GRCh38, chr6:136,822,742, plus strand): 5'-GTGGAGCGGCGCGGATGCTGCGGACGCCGGGACGCCACGGCTACGCCGCCGAGTTCTCCC[C>G]GTACCTGCCGGGCCGCCTGGCCTGCGCCACCGCGCAGCACTACGGCATCGCGGGTGAGGC-3'
Protein context (NP_000279.1, residues 16-36): GRHGYAAEFS[Pro26Arg]YLPGRLACAT

ClinVar aggregate classification (germline): Uncertain significance (1 of 4 stars; one submission).

Conditions:
Peroxisome biogenesis disorder 9B. Also called: PEX7-Related Refsum Disease; Refsum disease, adult, 2; PEROXISOME BIOGENESIS DISORDER, PEX7-RELATED, ATYPICAL. Identifiers: Orphanet 773, MedGen C2749346, MONDO:0013945, OMIM 614879.

Submission:

Labcorp Genetics (formerly Invitae), Labcorp
Classification: Uncertain significance for Peroxisome biogenesis disorder 9B. Last evaluated: 2025-11-10. Review status: criteria provided, single submitter. Criteria: Invitae Variant Classification Sherloc (09022015). Collection method: clinical testing. Allele origin: germline.
Comment: This sequence change replaces proline, which is neutral and non-polar, with arginine, which is basic and polar, at codon 26 of the PEX7 protein (p.Pro26Arg). This variant is present in population databases (no rsID available, gnomAD 0.007%). This variant has not been reported in the literature in individuals affected with PEX7-related conditions. ClinVar contains an entry for this variant (Variation ID: 2115725). An algorithm developed to predict the effect of missense changes on protein structure and function (PolyPhen-2) suggests that this variant is likely to be disruptive. In summary, the available evidence is currently insufficient to determine the role of this variant in disease. Therefore, it has been classified as a Variant of Uncertain Significance.